The following is an entry in ClinVar:

NM_001003699.4(RREB1):c.4311C>T (p.Gly1437=)

Gene: RREB1 (ras responsive element binding protein 1; plus strand). Cytogenetic location: 6p24.3.
Variant type: single nucleotide variant.
Coding change: c.4311C>T on transcript NM_001003699.4 (MANE Select); coding-DNA position 4311, C replaced by T.
Protein change: p.Gly1437=; no amino-acid change (glycine 1437 retained).
Molecular consequence: synonymous variant. On other transcripts: intron variant (1).
Genome position (GRCh38, 1-based): chr6:7,246,761, C>T. VCF-style: chr6-7246761-C-T. GRCh37 (hg19) VCF-style: chr6-7246994-C-T.
Other names: NC_000006.11:g.7246994C>T; c.4146C>T, p.Gly1382= (NM_001003698.4, NM_001168344.2); c.3974-1750C>T (NM_001003700.2).
Identifiers: ClinVar variation 711438 (VCV000711438.7), dbSNP rs187908583, ClinGen allele CA3626434.

ClinVar aggregate classification (germline): Benign. Review status: criteria provided, single submitter (1 of 4 stars). 2 submissions from 2 submitters: Benign (1). 1 of the submissions does not count toward it. Last evaluated 2019-12-31.

Conditions:
RREB1-related disorder. Also called: RREB1-related condition.

Allele frequency attached by ClinVar (database versions not stated): 1000 Genomes Project 0.00659; ESP Exome Variant Server 0.00487; TOPMed 0.00569.
gnomAD v4.1: 1,419 of 1,560,686 alleles (0.091%); highest among the groups gnomAD compares: African/African-American, 1.7%; 8 homozygotes.

Submissions (4):

Labcorp Genetics (formerly Invitae), Labcorp
Classification: Benign. Last evaluated: 2019-12-31. Review status: criteria provided, single submitter. Criteria: Invitae Variant Classification Sherloc (09022015). Collection method: clinical testing. Allele origin: germline.

PreventionGenetics, part of Exact Sciences
Classification: Likely benign for RREB1-related condition. Last evaluated: 2019-03-22. Review status: no assertion criteria provided. Collection method: clinical testing. Allele origin: germline. Not counted in ClinVar's aggregate classification.
Comment: This variant is classified as likely benign based on ACMG/AMP sequence variant interpretation guidelines (Richards et al. 2015 PMID: 25741868, with internal and published modifications).

Dr. Peter K. Rogan Lab, Western University
No classification provided (evidence only). Condition: Sarcoma. Review status: no classification provided. Collection method: in vitro. Allele origin: not applicable. Functional consequence: retained intron. Not counted in ClinVar's aggregate classification.

Dr. Peter K. Rogan Lab, Western University
No classification provided (evidence only). Condition: Nonpapillary renal cell carcinoma. Review status: no classification provided. Collection method: in vitro. Allele origin: not applicable. Functional consequence: retained intron. Not counted in ClinVar's aggregate classification.